The following is an entry in ClinVar:

NM_173630.4(RTTN):c.96C>G (p.Asn32Lys)

Gene: RTTN (rotatin; minus strand). Cytogenetic location: 18q22.2.
Variant type: single nucleotide variant.
Coding change: c.96C>G on transcript NM_173630.4 (MANE Select); coding-DNA position 96, C replaced by G.
Protein change: p.Asn32Lys; replaces asparagine 32 with lysine.
Molecular consequence: missense variant. On other transcripts: 5 prime UTR variant (1).
Genome position (GRCh38, 1-based): chr18:70,205,251, G>C on the plus strand (C>G on the coding strand, the complement: RTTN is on the minus strand). VCF-style: chr18-70205251-G-C. GRCh37 (hg19) VCF-style: chr18-67872487-G-C.
Other names: c.-2458C>G (NM_001318520.2); c.96C>G (NM_173630.3); short protein forms N32K.
Identifiers: ClinVar variation 1428660 (VCV001428660.9), dbSNP rs373704963, ClinGen allele CA8996583.

ClinVar aggregate classification (germline): Uncertain significance. Review status: criteria provided, multiple submitters, no conflicts (2 of 4 stars). 2 submissions from 2 submitters: Uncertain significance (2). Last evaluated 2022-10-06.

Conditions:
Inborn genetic diseases. Identifiers: MedGen C0950123, MeSH D030342.

Allele frequency attached by ClinVar (database versions not stated): gnomAD exomes below 0.00001; ExAC 0.00001; gnomAD 0.00001; TOPMed 0.00001; ESP Exome Variant Server 0.00008.
gnomAD v4.1: 9 of 1,614,134 alleles (0.00056%); highest among the groups gnomAD compares: Non-Finnish European, 0.00068%; no homozygotes.

Submissions (2):

Ambry Genetics
Classification: Uncertain significance for Inborn genetic diseases. Last evaluated: 2022-10-06. Review status: criteria provided, single submitter. Criteria: Ambry Variant Classification Scheme 2023. Collection method: clinical testing. Allele origin: germline.

Labcorp Genetics (formerly Invitae), Labcorp
Classification: Uncertain significance. Last evaluated: 2022-07-26. Review status: criteria provided, single submitter. Criteria: Invitae Variant Classification Sherloc (09022015). Collection method: clinical testing. Allele origin: germline.
Comment: ClinVar contains an entry for this variant (Variation ID: 1428660). This variant has not been reported in the literature in individuals affected with RTTN-related conditions. This variant is present in population databases (rs373704963, gnomAD 0.002%). This sequence change replaces asparagine, which is neutral and polar, with lysine, which is basic and polar, at codon 32 of the RTTN protein (p.Asn32Lys). Algorithms developed to predict the effect of missense changes on protein structure and function (SIFT, PolyPhen-2, Align-GVGD) all suggest that this variant is likely to be tolerated. In summary, the available evidence is currently insufficient to determine the role of this variant in disease. Therefore, it has been classified as a Variant of Uncertain Significance.